The following is an entry in ClinVar:

ClinVar aggregate classification (germline): Uncertain significance. Review status: criteria provided, multiple submitters, no conflicts (2 of 4 stars). 3 submissions from 3 submitters: Uncertain significance (3). Last evaluated 2025-08-03.

Conditions:
Primary dilated cardiomyopathy (DCM). Also called: Dilated Cardiomyopathy. Identifiers: Orphanet 217604, MedGen C0007193, MeSH D002311, MONDO:0005021, HP:0001644. Inheritance: Various modes of inheritance.
Cardiovascular phenotype. Identifiers: MedGen CN230736.
Brugada syndrome 4 (BRGDA4). Identifiers: Orphanet 130, MedGen C2678477, MONDO:0012743, OMIM 611876.

Allele frequency attached by ClinVar (database versions not stated): gnomAD 0.00001; gnomAD exomes 0.00001.
gnomAD v4.1: 9 of 1,590,262 alleles (0.00057%); highest among the groups gnomAD compares: Admixed American, 0.0017%; no homozygotes.

Submissions (3):

Ambry Genetics
Classification: Uncertain significance for Cardiovascular phenotype. Last evaluated: 2025-08-03. Review status: criteria provided, single submitter. Criteria: Ambry Variant Classification Scheme 2023. Collection method: clinical testing. Allele origin: germline.
Comment: The p.A372T variant (also known as c.1114G>A), located in coding exon 11 of the CACNB2 gene, results from a G to A substitution at nucleotide position 1114. The alanine at codon 372 is replaced by threonine, an amino acid with similar properties. This amino acid position is highly conserved in available vertebrate species. In addition, this alteration is predicted to be deleterious by in silico analysis. Since supporting evidence is limited at this time, the clinical significance of this alteration remains unclear.

Labcorp Genetics (formerly Invitae), Labcorp
Classification: Uncertain significance for Brugada syndrome 4. Last evaluated: 2021-02-23. Review status: criteria provided, single submitter. Criteria: Invitae Variant Classification Sherloc (09022015). Collection method: clinical testing. Allele origin: germline.
Comment: This variant is not present in population databases (ExAC no frequency). This sequence change replaces alanine with threonine at codon 372 of the CACNB2 protein (p.Ala372Thr). The alanine residue is highly conserved and there is a small physicochemical difference between alanine and threonine. In summary, the available evidence is currently insufficient to determine the role of this variant in disease. Therefore, it has been classified as a Variant of Uncertain Significance. Algorithms developed to predict the effect of missense changes on protein structure and function (SIFT, PolyPhen-2, Align-GVGD) all suggest that this variant is likely to be disruptive, but these predictions have not been confirmed by published functional studies and their clinical significance is uncertain. This variant has not been reported in the literature in individuals with CACNB2-related conditions. ClinVar contains an entry for this variant (Variation ID: 427977).

Center for Human Genetics, University of Leuven
Classification: Uncertain significance for Primary dilated cardiomyopathy. Last evaluated: 2017-04-30. Review status: criteria provided, single submitter. Criteria: ACMG Guidelines, 2015. Collection method: clinical testing. Allele origin: germline. Inheritance: Autosomal dominant inheritance. Affected: yes.

NM_201596.3(CACNB2):c.1276G>A (p.Ala426Thr)

Gene: CACNB2 (calcium voltage-gated channel auxiliary subunit beta 2; plus strand). Cytogenetic location: 10p12.31.
Variant type: single nucleotide variant.
Coding change: c.1276G>A on transcript NM_201596.3 (MANE Select); coding-DNA position 1276, G replaced by A.
Protein change: p.Ala426Thr; replaces alanine 426 with threonine.
Molecular consequence: missense variant.
Genome position (GRCh38, 1-based): chr10:18,536,170, G>A. VCF-style: chr10-18536170-G-A. GRCh37 (hg19) VCF-style: chr10-18825099-G-A.
Other names: c.1111G>A, p.Ala371Thr (NM_000724.4); c.1078G>A, p.Ala360Thr (NM_001167945.2); c.997G>A, p.Ala333Thr (NM_001330060.2); c.1132G>A, p.Ala378Thr (NM_201570.3); c.1192G>A, p.Ala398Thr (NM_201571.4); c.1120G>A, p.Ala374Thr (NM_201572.4); c.1114G>A, p.Ala372Thr (NM_201590.3); c.1162G>A, p.Ala388Thr (NM_201593.3); and 1 more; short protein forms A372T, A426T, A333T, A360T, A378T, A374T, A388T, A398T.
Identifiers: ClinVar variation 427977 (VCV000427977.13), dbSNP rs1336353571, ClinGen allele CA376068976.